The following is an entry in ClinVar:

NM_001036.6(RYR3):c.1291C>G (p.Pro431Ala)

Gene: RYR3 (ryanodine receptor 3; plus strand). Cytogenetic location: 15q14.
Variant type: single nucleotide variant.
Coding change: c.1291C>G on transcript NM_001036.6 (MANE Select); coding-DNA position 1291, C replaced by G.
Protein change: p.Pro431Ala; replaces proline 431 with alanine.
Molecular consequence: missense variant.
Genome position (GRCh38, 1-based): chr15:33,579,998, C>G. VCF-style: chr15-33579998-C-G. GRCh37 (hg19) VCF-style: chr15-33872199-C-G.
Other names: c.1291C>G, p.Pro431Ala (NM_001243996.4); short protein forms P431A.
Identifiers: ClinVar variation 639649 (VCV000639649.12), dbSNP rs200313634, ClinGen allele CA7458096.

ClinVar aggregate classification (germline): Likely benign. Review status: criteria provided, multiple submitters, no conflicts (2 of 4 stars). 2 submissions from 2 submitters: Likely benign (2). Last evaluated 2026-03-01.

Conditions:
Epileptic encephalopathy. Identifiers: MedGen C0543888, HP:0200134.

Allele frequency attached by ClinVar (database versions not stated): ESP Exome Variant Server 0.00008; gnomAD 0.00008 and 0.00009; ExAC 0.00012; gnomAD exomes 0.00013 and 0.00006; TOPMed 0.00005.
gnomAD v4.1: 108 of 1,611,948 alleles (0.0067%); highest among the groups gnomAD compares: South Asian, 0.035%; 1 homozygote.

Submissions (2):

CeGaT Center for Human Genetics Tuebingen
Classification: Likely benign. Last evaluated: 2026-03-01. Review status: criteria provided, single submitter. Criteria: CeGaT Center For Human Genetics Tuebingen Variant Classification Criteria Version 2. Collection method: clinical testing. Allele origin: germline. Affected: yes. Observed: 1 variant allele.
Comment: RYR3: BS2

Labcorp Genetics (formerly Invitae), Labcorp
Classification: Likely benign for Epileptic encephalopathy. Last evaluated: 2020-02-24. Review status: criteria provided, single submitter. Criteria: Invitae Variant Classification Sherloc (09022015). Collection method: clinical testing. Allele origin: germline.